The following is an entry in ClinVar:

ClinVar aggregate classification (germline): Uncertain significance. Review status: criteria provided, single submitter (1 of 4 stars). 2 submissions from 2 submitters: Uncertain significance (1). 1 of the submissions does not count toward it. Last evaluated 2021-08-07.

Conditions:
Neuromuscular disease caused by qualitative or quantitative defects of dysferlin. Also called: Qualitative or quantitative defects of dysferlin; Dysferlinopathy. Identifiers: Orphanet 207073, MedGen C2931687, MONDO:0016145.
Autosomal recessive limb-girdle muscular dystrophy type 2B (LGMDR2). Also called: Limb-Girdle Muscular Dystrophy Type 2B (LGMD2B); MUSCULAR DYSTROPHY, LIMB-GIRDLE, AUTOSOMAL RECESSIVE 2; MUSCULAR DYSTROPHY, LIMB-GIRDLE, TYPE 3; Limb-girdle muscular dystrophy, type 2B. Identifiers: Orphanet 268, MedGen C1850889, MONDO:0009676, OMIM 253601.

Submissions (2):

Labcorp Genetics (formerly Invitae), Labcorp
Classification: Uncertain significance for Neuromuscular disease caused by qualitative or quantitative defects of dysferlin. Last evaluated: 2021-08-07. Review status: criteria provided, single submitter. Criteria: Invitae Variant Classification Sherloc (09022015). Collection method: clinical testing. Allele origin: germline.
Comment: This variant, c.3044_3049dup, results in the insertion of 2 amino acid(s) to the DYSF protein (p.Ser1015_Ile1016dup), but otherwise preserves the integrity of the reading frame. This variant is not present in population databases (ExAC no frequency). This variant has not been reported in the literature in individuals affected with DYSF-related conditions. ClinVar contains an entry for this variant (Variation ID: 554391). Experimental studies and prediction algorithms are not available or were not evaluated, and the functional significance of this variant is currently unknown. In summary, the available evidence is currently insufficient to determine the role of this variant in disease. Therefore, it has been classified as a Variant of Uncertain Significance.

Counsyl
Classification: Uncertain significance for Autosomal recessive limb-girdle muscular dystrophy type 2B. Last evaluated: 2017-10-17. Review status: no assertion criteria provided. Collection method: clinical testing. Allele origin: unknown. Not counted in ClinVar's aggregate classification.

NM_001130987.2(DYSF):c.3098_3103dup (p.Ser1033_Ile1034dup)

Gene: DYSF (dysferlin; plus strand). Cytogenetic location: 2p13.2.
Variant type: Duplication.
Coding change: c.3098_3103dup on transcript NM_001130987.2 (MANE Select); coding-DNA positions 3098 to 3103, 6 bases duplicated (GCATCA; older notation c.3098_3103dupGCATCA).
Protein change: p.Ser1033_Ile1034dup.
Molecular consequence: inframe insertion.
Genome position (GRCh38, 1-based): chr2:71,570,611-71,570,616, GCATCA duplicated; duplicating any 6 consecutive bases within chr2:71,570,610-71,570,616 gives the same sequence; the c. name uses the placement nearest the transcript's 3' end. VCF-style (leftmost placement, unchanged base first): chr2-71570609-T-TAGCATC. GRCh37 (hg19) VCF-style: chr2-71797739-T-TAGCATC.
Other names: c.3047_3052dup, p.Ser1016_Ile1017dup (NM_001130455.2, NM_001130983.2); c.3002_3007dup, p.Ser1001_Ile1002dup (NM_001130976.2, NM_001130977.2); c.3044_3049dup, p.Ser1015_Ile1016dup (NM_001130978.2, NM_003494.4); c.3137_3142dup, p.Ser1046_Ile1047dup (NM_001130979.2); c.3095_3100dup, p.Ser1032_Ile1033dup (NM_001130980.2, NM_001130981.2); c.3140_3145dup, p.Ser1047_Ile1048dup (NM_001130982.2); c.3005_3010dup, p.Ser1002_Ile1003dup (NM_001130984.2, NM_001130986.2); c.3098_3103dup, p.Ser1033_Ile1034dup (NM_001130985.2).
Identifiers: ClinVar variation 554391 (VCV000554391.5), dbSNP rs1553555901, ClinGen allele CA658822442.
Genomic context (GRCh38, chr2:71,570,609, plus strand): 5'-GAGATGGGGGGAACTGCCAAGCAATGAGTGACCGGTTCCCCCTCCCCCAGGCTGGGAGTA[T>TAGCATC]AGCATCACCATCCCCCCGGAGCGGAAGCCGAAGCACTGGGTCCCTGCTGAGAAGATGTAC-3'